The following is an entry in ClinVar:

NM_000089.4(COL1A2):c.718G>C (p.Val240Leu)

Gene: COL1A2 (collagen type I alpha 2 chain; plus strand). Cytogenetic location: 7q21.3.
Variant type: single nucleotide variant.
Coding change: c.718G>C on transcript NM_000089.4 (MANE Select); coding-DNA position 718, G replaced by C.
Protein change: p.Val240Leu; replaces valine 240 with leucine.
Molecular consequence: missense variant.
Genome position (GRCh38, 1-based): chr7:94,408,360, G>C. VCF-style: chr7-94408360-G-C. GRCh37 (hg19) VCF-style: chr7-94037672-G-C.
Other names: short protein forms V240L.
Identifiers: ClinVar variation 4782917 (VCV004782917.1).

ClinVar aggregate classification (germline): Uncertain significance (1 of 4 stars; one submission).

Conditions:
Ehlers-Danlos syndrome, classic type, 1 (EDSCL1). Also called: EHLERS-DANLOS SYNDROME, GRAVIS TYPE; EHLERS-DANLOS SYNDROME, SEVERE CLASSIC TYPE; Ehlers-Danlos syndrome, type 1; Ehlers-Danlos Syndrome, Classic Type, COL5A1-Related; EDS I. Identifiers: MedGen C0268335, MONDO:0019567, OMIM 130000.
Osteogenesis imperfecta type I (OI1). Also called: OI, TYPE I; OSTEOGENESIS IMPERFECTA TARDA; OSTEOGENESIS IMPERFECTA WITH BLUE SCLERAE; Osteogenesis imperfecta type 1; Lobstein's Disease; Lobstein disease. Identifiers: Orphanet 216796, Orphanet 666, MedGen C0023931, MONDO:0008146, OMIM 166200. Disease mechanism: loss of function.

gnomAD v4.1: 18 of 1,614,036 alleles (0.0011%); highest among the groups gnomAD compares: South Asian, 0.02%; no homozygotes.

Submission:

Labcorp Genetics (formerly Invitae), Labcorp
Classification: Uncertain significance for Osteogenesis imperfecta type I; Ehlers-Danlos syndrome, classic type, 1. Last evaluated: 2025-01-22. Review status: criteria provided, single submitter. Criteria: Invitae Variant Classification Sherloc (09022015). Collection method: clinical testing. Allele origin: germline.
Comment: This sequence change replaces valine, which is neutral and non-polar, with leucine, which is neutral and non-polar, at codon 240 of the COL1A2 protein (p.Val240Leu). This variant is present in population databases (rs775599249, gnomAD 0.01%). This variant has not been reported in the literature in individuals affected with COL1A2-related conditions. Invitae Evidence Modeling of protein sequence and biophysical properties (such as structural, functional, and spatial information, amino acid conservation, physicochemical variation, residue mobility, and thermodynamic stability) indicates that this missense variant is not expected to disrupt COL1A2 protein function with a negative predictive value of 95%. In summary, the available evidence is currently insufficient to determine the role of this variant in disease. Therefore, it has been classified as a Variant of Uncertain Significance.